The following is an entry in ClinVar:

ClinVar aggregate classification (germline): Uncertain significance. Review status: criteria provided, multiple submitters, no conflicts (2 of 4 stars). 2 submissions from 2 submitters: Uncertain significance (2). Last evaluated 2023-11-27.

Conditions:
Hereditary cancer-predisposing syndrome. Also called: Tumor predisposition; Hereditary neoplastic syndrome; Hereditary Cancer Syndrome; Neoplastic Syndromes, Hereditary. Identifiers: Orphanet 140162, MedGen C0027672, MeSH D009386, MONDO:0015356.
Oligodontia-cancer predisposition syndrome. Also called: TOOTH AGENESIS-COLORECTAL CANCER SYNDROME. Identifiers: Orphanet 300576, MedGen C1837750, MONDO:0012075, OMIM 608615. Disease mechanism: loss of function.

Submissions (2):

Labcorp Genetics (formerly Invitae), Labcorp
Classification: Uncertain significance for Oligodontia-cancer predisposition syndrome. Last evaluated: 2023-11-27. Review status: criteria provided, single submitter. Criteria: Invitae Variant Classification Sherloc (09022015). Collection method: clinical testing. Allele origin: germline.
Comment: This sequence change replaces serine, which is neutral and polar, with arginine, which is basic and polar, at codon 340 of the AXIN2 protein (p.Ser340Arg). This variant is not present in population databases (gnomAD no frequency). This variant has not been reported in the literature in individuals affected with AXIN2-related conditions. ClinVar contains an entry for this variant (Variation ID: 1052938). Advanced modeling of protein sequence and biophysical properties (such as structural, functional, and spatial information, amino acid conservation, physicochemical variation, residue mobility, and thermodynamic stability) performed at Invitae indicates that this missense variant is not expected to disrupt AXIN2 protein function with a negative predictive value of 80%. In summary, the available evidence is currently insufficient to determine the role of this variant in disease. Therefore, it has been classified as a Variant of Uncertain Significance.

Ambry Genetics
Classification: Uncertain significance for Hereditary cancer-predisposing syndrome. Last evaluated: 2021-04-02. Review status: criteria provided, single submitter. Criteria: Ambry Variant Classification Scheme 2023. Collection method: clinical testing. Allele origin: germline.
Comment: The p.S340R variant (also known as c.1018A>C), located in coding exon 3 of the AXIN2 gene, results from an A to C substitution at nucleotide position 1018. The serine at codon 340 is replaced by arginine, an amino acid with dissimilar properties. This amino acid position is well conserved in available vertebrate species. In addition, this alteration is predicted to be deleterious by in silico analysis. Since supporting evidence is limited at this time, the clinical significance of this alteration remains unclear.

NM_004655.4(AXIN2):c.1018A>C (p.Ser340Arg)

Gene: AXIN2 (axin 2; minus strand). Cytogenetic location: 17q24.1.
Variant type: single nucleotide variant.
Coding change: c.1018A>C on transcript NM_004655.4 (MANE Select); coding-DNA position 1018, A replaced by C.
Protein change: p.Ser340Arg; replaces serine 340 with arginine.
Molecular consequence: missense variant.
Genome position (GRCh38, 1-based): chr17:65,541,496, T>G on the plus strand (A>C on the coding strand, the complement: AXIN2 is on the minus strand). VCF-style: chr17-65541496-T-G. GRCh37 (hg19) VCF-style: chr17-63537614-T-G.
Other names: c.1018A>C, p.Ser340Arg (NM_001363813.1); short protein forms S340R.
Identifiers: ClinVar variation 1052938 (VCV001052938.10), dbSNP rs2144500239, ClinGen allele CA400679222.